The following is an entry in ClinVar:

NM_001355436.2(SPTB):c.764-2A>G

Gene: SPTB (spectrin beta, erythrocytic; minus strand). Cytogenetic location: 14q23.3.
Variant type: single nucleotide variant.
Coding change: c.764-2A>G on transcript NM_001355436.2 (MANE Select); the canonical splice acceptor site of the intron before coding-DNA position 764, A replaced by G.
Molecular consequence: splice acceptor variant.
Genome position (GRCh38, 1-based): chr14:64,800,870, T>C on the plus strand (A>G on the coding strand, the complement: SPTB is on the minus strand). VCF-style: chr14-64800870-T-C. GRCh37 (hg19) VCF-style: chr14-65267588-T-C.
Other names: c.764-2A>G (NM_001024858.4, NM_001355437.2).
Identifiers: ClinVar variation 2113052 (VCV002113052.5), dbSNP rs2503204284, ClinGen allele CA390030578.

ClinVar aggregate classification (germline): Likely pathogenic. Review status: criteria provided, multiple submitters, no conflicts (2 of 4 stars). 2 submissions from 2 submitters: Likely pathogenic (2). Last evaluated 2024-08-08.

Submissions (2):

Revvity Omics, Revvity
Classification: Likely pathogenic. Last evaluated: 2024-08-08. Review status: criteria provided, single submitter. Criteria: ACMG Guidelines, 2015. Collection method: clinical testing. Allele origin: germline.

Labcorp Genetics (formerly Invitae), Labcorp
Classification: Likely pathogenic. Last evaluated: 2022-03-16. Review status: criteria provided, single submitter. Criteria: Invitae Variant Classification Sherloc (09022015). Collection method: clinical testing. Allele origin: germline.
Comment: Algorithms developed to predict the effect of sequence changes on RNA splicing suggest that this variant may disrupt the consensus splice site. In summary, the currently available evidence indicates that the variant is pathogenic, but additional data are needed to prove that conclusively. Therefore, this variant has been classified as Likely Pathogenic. This variant has not been reported in the literature in individuals affected with SPTB-related conditions. This sequence change affects an acceptor splice site in intron 6 of the SPTB gene. It is expected to disrupt RNA splicing. Variants that disrupt the donor or acceptor splice site typically lead to a loss of protein function (PMID: 16199547), and loss-of-function variants in SPTB are known to be pathogenic (PMID: 1391962, 1498324, 8844207, 26830532, 27292444). This variant is not present in population databases (gnomAD no frequency).

Literature cited by the submitters: PubMed 16199547 (cited by Labcorp Genetics (formerly Invitae), Labcorp); PubMed 1391962 (cited by Labcorp Genetics (formerly Invitae), Labcorp); PubMed 1498324 (cited by Labcorp Genetics (formerly Invitae), Labcorp); PubMed 8844207 (cited by Labcorp Genetics (formerly Invitae), Labcorp); PubMed 26830532 (cited by Labcorp Genetics (formerly Invitae), Labcorp); PubMed 27292444 (cited by Labcorp Genetics (formerly Invitae), Labcorp).